The following is an entry in ClinVar:

NM_014384.3(ACAD8):c.236G>A (p.Arg79Gln)

Gene: ACAD8 (acyl-CoA dehydrogenase family member 8; plus strand). Cytogenetic location: 11q25.
Variant type: single nucleotide variant.
Coding change: c.236G>A on transcript NM_014384.3 (MANE Select); coding-DNA position 236, G replaced by A.
Protein change: p.Arg79Gln; replaces arginine 79 with glutamine.
Molecular consequence: missense variant.
Genome position (GRCh38, 1-based): chr11:134,257,113, G>A. VCF-style: chr11-134257113-G-A. GRCh37 (hg19) VCF-style: chr11-134127007-G-A.
Other names: short protein forms R79Q.
Identifiers: ClinVar variation 2403306 (VCV002403306.4), dbSNP rs141333391, ClinGen allele CA6372885.

ClinVar aggregate classification (germline): Uncertain significance. Review status: criteria provided, multiple submitters, no conflicts (2 of 4 stars). 2 submissions from 2 submitters: Uncertain significance (2). Last evaluated 2021-09-01.

Conditions:
Inborn genetic diseases. Identifiers: MedGen C0950123, MeSH D030342.
Deficiency of isobutyryl-CoA dehydrogenase. Also called: ACAD8 DEFICIENCY; ACYL-CoA DEHYDROGENASE FAMILY, MEMBER 8, DEFICIENCY OF; IBD DEFICIENCY. Identifiers: Orphanet 79159, MedGen C1969809, MONDO:0012648, OMIM 611283.

Allele frequency attached by ClinVar (database versions not stated): gnomAD exomes 0.00001; ExAC 0.00002; TOPMed 0.00002; gnomAD 0.00003; ESP Exome Variant Server 0.00008.
gnomAD v4.1: 25 of 1,614,026 alleles (0.0015%); highest among the groups gnomAD compares: East Asian, 0.0067%; no homozygotes.

Submissions (2):

Ambry Genetics
Classification: Uncertain significance for Inborn genetic diseases. Last evaluated: 2021-09-01. Review status: criteria provided, single submitter. Criteria: Ambry Variant Classification Scheme 2023. Collection method: clinical testing. Allele origin: germline.

Juno Genomics, Hangzhou Juno Genomics, Inc
Classification: Uncertain significance for Deficiency of isobutyryl-CoA dehydrogenase. Review status: criteria provided, single submitter. Criteria: ACMG Guidelines, 2015. Collection method: clinical testing. Allele origin: germline.
Comment: Absent from controls (or at extremely low frequency if recessive) in Genome Aggregation Database.;Novel missense change at an amino acid residue where a different missense change determined to be pathogenic has been seen before.;For recessive disorders, detected in trans with a pathogenic variant.;Patient's phenotype or family history is highly specific for a disease with a single genetic etiology.